The following is an entry in ClinVar:

ClinVar aggregate classification (germline): Uncertain significance. Review status: criteria provided, single submitter (1 of 4 stars). 2 submissions from 2 submitters: Uncertain significance (1). 1 of the submissions does not count toward it. Last evaluated 2025-12-22.

Conditions:
LAMA5-related disorder. Also called: LAMA5-Related Disorders; LAMA5-related condition.
Nephrotic syndrome, IIa 26. Also called: Nephrotic syndrome, type 26. Identifiers: MedGen C5774221, MONDO:0031061, OMIM 620049.

gnomAD v4.1: 69 of 1,609,558 alleles (0.0043%); highest among the groups gnomAD compares: African/African-American, 0.073%; no homozygotes.

Submissions (2):

Dasa
Classification: Uncertain significance for Nephrotic syndrome, IIa 26. Last evaluated: 2025-12-22. Review status: criteria provided, single submitter. Criteria: DASA Assertion Criteria. Collection method: clinical testing. Allele origin: germline.
Comment: NM_005560.6(LAMA5):c.5321C>T (p.Thr1774Met) is a missense variant that results in the substitution of threonine with methionine. This variant is rare in population databases. The currently available literature and clinical evidence are not sufficient to establish a definitive association between this variant and the reported condition. Therefore, this variant is classified as a variant of uncertain significance.

PreventionGenetics, part of Exact Sciences
Classification: Uncertain significance for LAMA5-related condition. Last evaluated: 2024-09-13. Review status: no assertion criteria provided. Collection method: clinical testing. Allele origin: germline. Not counted in ClinVar's aggregate classification.
Comment: The LAMA5 c.5321C>T variant is predicted to result in the amino acid substitution p.Thr1774Met. To our knowledge, this variant has not been reported in the literature. This variant is reported in 0.081% of alleles in individuals of African descent in gnomAD. Although we suspect that this variant may be benign, at this time, the clinical significance of this variant is uncertain due to the absence of conclusive functional and genetic evidence.

NM_005560.6(LAMA5):c.5321C>T (p.Thr1774Met)

Gene: LAMA5 (laminin subunit alpha 5; minus strand). Cytogenetic location: 20q13.33.
Variant type: single nucleotide variant.
Coding change: c.5321C>T on transcript NM_005560.6 (MANE Select); coding-DNA position 5321, C replaced by T.
Protein change: p.Thr1774Met; replaces threonine 1774 with methionine.
Molecular consequence: missense variant.
Genome position (GRCh38, 1-based): chr20:62,325,524, G>A on the plus strand (C>T on the coding strand, the complement: LAMA5 is on the minus strand). VCF-style: chr20-62325524-G-A. GRCh37 (hg19) VCF-style: chr20-60900580-G-A.
Other names: short protein forms T1774M.
Identifiers: ClinVar variation 3350997 (VCV003350997.3).